The following is an entry in ClinVar:

NM_007294.4(BRCA1):c.1281G>C (p.Glu427Asp)

Gene: BRCA1 (BRCA1 DNA repair associated; minus strand). Cytogenetic location: 17q21.31.
Variant type: single nucleotide variant.
Coding change: c.1281G>C on transcript NM_007294.4 (MANE Select); coding-DNA position 1281, G replaced by C.
Protein change: p.Glu427Asp; replaces glutamic acid 427 with aspartic acid.
Molecular consequence: missense variant. On other transcripts: intron variant (137).
Genome position (GRCh38, 1-based): chr17:43,094,250, C>G on the plus strand (G>C on the coding strand, the complement: BRCA1 is on the minus strand). VCF-style: chr17-43094250-C-G. GRCh37 (hg19) VCF-style: chr17-41246267-C-G.
Other names: c.1014G>C, p.Glu338Asp (NM_001407936.1, NM_001407930.1, NM_001407931.1 and 2 more transcripts); c.1158G>C, p.Glu386Asp (NM_001407937.1, NM_001407938.1, NM_001407939.1 and 19 more transcripts); c.1155G>C, p.Glu385Asp (NM_001407940.1, NM_001407941.1, NM_001407649.1 and 11 more transcripts); c.1140G>C, p.Glu380Asp (NM_001407942.1, NM_001407944.1, NM_001407945.1 and 29 more transcripts); c.1137G>C, p.Glu379Asp (NM_001407943.1, NM_001407964.1, NM_001407740.1 and 20 more transcripts); c.948G>C, p.Glu316Asp (NM_001407946.1, NM_001407947.1, NM_001407948.1 and 6 more transcripts); c.945G>C, p.Glu315Asp (NM_001407954.1, NM_001407955.1, NM_001407956.1 and 1 more transcripts); c.900G>C, p.Glu300Asp (NM_001407959.1, NM_001407960.1, NM_001407963.1); and 40 more; short protein forms E380D, E427D, E315D, E379D, E400D, E259D, E299D, E356D.
Identifiers: ClinVar variation 999984 (VCV000999984.15), dbSNP rs1567800181, ClinGen allele CA10599496.

ClinVar aggregate classification (germline): Conflicting classifications of pathogenicity. Review status: criteria provided, conflicting classifications (1 of 4 stars). 4 submissions from 4 submitters: Uncertain significance (3); Likely benign (1). Last evaluated 2025-03-26.

Conditions:
Hereditary cancer-predisposing syndrome. Also called: Neoplastic Syndromes, Hereditary; Tumor predisposition; Hereditary Cancer Syndrome; Hereditary neoplastic syndrome. Identifiers: Orphanet 140162, MedGen C0027672, MeSH D009386, MONDO:0015356.
Hereditary breast ovarian cancer syndrome. Also called: Hereditary breast and ovarian cancer syndrome; Hereditary breast and/or ovarian cancer syndrome; Hereditary breast and ovarian cancer syndrome (HBOC); Breast and ovarian cancer; BRCA1- and BRCA2-Associated Hereditary Breast and Ovarian Cancer; Hereditary breast and ovarian cancer. Identifiers: Orphanet 145, MedGen C0677776, MeSH D061325, MONDO:0003582. Disease mechanism: loss of function.

Submissions (4):

Quest Diagnostics Nichols Institute San Juan Capistrano
Classification: Uncertain significance. Last evaluated: 2025-03-26. Review status: criteria provided, single submitter. Criteria: Quest Diagnostics criteria. Collection method: clinical testing. Allele origin: unknown.
Comment: The BRCA1 c.1281G>C (p.Glu427Asp) variant has not been reported in individuals with BRCA1-related conditions in the published literature. It also has not been reported in large, multi-ethnic general populations (Genome Aggregation Database). Analysis of this variant using bioinformatics tools for the prediction of the effect of amino acid changes on protein structure and function yielded conflicting predictions that this variant is benign or damaging. Based on the available information, we are unable to determine the clinical significance of this variant.

Labcorp Genetics (formerly Invitae), Labcorp
Classification: Uncertain significance for Hereditary breast ovarian cancer syndrome. Last evaluated: 2024-07-23. Review status: criteria provided, single submitter. Criteria: Invitae Variant Classification Sherloc (09022015). Collection method: clinical testing. Allele origin: germline.
Comment: This sequence change replaces glutamic acid, which is acidic and polar, with aspartic acid, which is acidic and polar, at codon 427 of the BRCA1 protein (p.Glu427Asp). This variant is not present in population databases (gnomAD no frequency). This variant has not been reported in the literature in individuals affected with BRCA1-related conditions. ClinVar contains an entry for this variant (Variation ID: 999984). Advanced modeling of protein sequence and biophysical properties (such as structural, functional, and spatial information, amino acid conservation, physicochemical variation, residue mobility, and thermodynamic stability) performed at Invitae indicates that this missense variant is not expected to disrupt BRCA1 protein function with a negative predictive value of 95%. In summary, the available evidence is currently insufficient to determine the role of this variant in disease. Therefore, it has been classified as a Variant of Uncertain Significance.

University of Washington Department of Laboratory Medicine, University of Washington
Classification: Likely benign for Hereditary cancer-predisposing syndrome. Last evaluated: 2023-03-23. Review status: criteria provided, single submitter. Criteria: Dines et al. (Genet Med. 2020). Collection method: curation. Allele origin: germline.
Comment: Missense variant in a coldspot region where missense variants are very unlikely to be pathogenic (PMID:31911673).

BRCA1 coldspot (exon 11 using historical exon numbering). Reclassification based on statistical prior probability

Ambry Genetics
Classification: Uncertain significance for Hereditary cancer-predisposing syndrome. Last evaluated: 2022-04-26. Review status: criteria provided, single submitter. Criteria: Ambry Variant Classification Scheme 2023. Collection method: clinical testing. Allele origin: germline.
Comment: The p.E427D variant (also known as c.1281G>C), located in coding exon 9 of the BRCA1 gene, results from a G to C substitution at nucleotide position 1281. The glutamic acid at codon 427 is replaced by aspartic acid, an amino acid with highly similar properties. This amino acid position is not well conserved in available vertebrate species. In addition, the in silico prediction for this alteration is inconclusive. Since supporting evidence is limited at this time, the clinical significance of this alteration remains unclear.

Literature cited by the submitters: PubMed 29884841 (cited by Quest Diagnostics Nichols Institute San Juan Capistrano); PubMed 35729312 (cited by Quest Diagnostics Nichols Institute San Juan Capistrano).